The following is an entry in ClinVar:

NM_032242.4(PLXNA1):c.976C>T (p.His326Tyr)

Gene: PLXNA1 (plexin A1; plus strand). Cytogenetic location: 3q21.3.
Variant type: single nucleotide variant.
Coding change: c.976C>T on transcript NM_032242.4 (MANE Select); coding-DNA position 976, C replaced by T.
Protein change: p.His326Tyr; replaces histidine 326 with tyrosine.
Molecular consequence: missense variant.
Genome position (GRCh38, 1-based): chr3:126,989,569, C>T. VCF-style: chr3-126989569-C-T. GRCh37 (hg19) VCF-style: chr3-126708412-C-T.
Other names: short protein forms H326Y.
Identifiers: ClinVar variation 3307896 (VCV003307896.2).

ClinVar aggregate classification (germline): Uncertain significance. Review status: criteria provided, multiple submitters, no conflicts (2 of 4 stars). 2 submissions from 2 submitters: Uncertain significance (2). Last evaluated 2026-06-01.

Conditions:
PLXNA1-related disorder. Also called: PLXNA1-related condition.

gnomAD v4.1: 72 of 1,613,142 alleles (0.0045%); highest among the groups gnomAD compares: Admixed American, 0.0067%; no homozygotes.

Submissions (2):

PreventionGenetics, part of Exact Sciences
Classification: Uncertain significance for PLXNA1-related condition. Last evaluated: 2026-06-01. Review status: criteria provided, single submitter. Criteria: ACMG Guidelines, 2015. Collection method: clinical testing. Allele origin: germline.
Comment: The PLXNA1 c.976C>T variant is predicted to result in the amino acid substitution p.His326Tyr. To our knowledge, this variant has not been reported in the literature. This variant is reported in 0.0035% of alleles in individuals of European (Non-Finnish) descent in gnomAD. At this time, the clinical significance of this variant is uncertain due to the absence of conclusive functional and genetic evidence.

Ambry Genetics
Classification: Uncertain significance. Last evaluated: 2024-05-07. Review status: criteria provided, single submitter. Criteria: Ambry Variant Classification Scheme 2023. Collection method: clinical testing. Allele origin: germline.